The following is an entry in ClinVar:

NM_007294.4(BRCA1):c.1937G>A (p.Ser646Asn)

Gene: BRCA1 (BRCA1 DNA repair associated; minus strand). Cytogenetic location: 17q21.31.
Variant type: single nucleotide variant.
Coding change: c.1937G>A on transcript NM_007294.4 (MANE Select); coding-DNA position 1937, G replaced by A.
Protein change: p.Ser646Asn; replaces serine 646 with asparagine.
Molecular consequence: missense variant. On other transcripts: intron variant (137).
Genome position (GRCh38, 1-based): chr17:43,093,594, C>T on the plus strand (G>A on the coding strand, the complement: BRCA1 is on the minus strand). VCF-style: chr17-43093594-C-T. GRCh37 (hg19) VCF-style: chr17-41245611-C-T.
Other names: c.523+1150G>A (NM_001408498.1, NM_001408501.1, NM_001408500.1 and 3 more transcripts); c.646+1150G>A (NM_001408467.1, NM_001408459.1, NM_001408458.1 and 11 more transcripts); c.583+1150G>A (NM_001408475.1); c.709+1150G>A (NM_001408412.1, NM_001408409.1, NM_001408414.1 and 2 more transcripts); c.451+1150G>A (NM_001408509.1, NM_001408508.1); c.574+1150G>A (NM_001408491.1, NM_001408493.1, NM_001408490.1); c.577+1150G>A (NM_001408481.1, NM_001408480.1, NM_001408492.1 and 9 more transcripts); c.460+2252G>A (NM_001408506.1, NM_001408507.1); and 40 more; short protein forms S599N, S646N, S350N, S478N, S518N, S535N, S578N, S605N.
Identifiers: ClinVar variation 925846 (VCV000925846.13), dbSNP rs2053857094, ClinGen allele CA10598153.

ClinVar aggregate classification (germline): Conflicting classifications of pathogenicity. Review status: criteria provided, conflicting classifications (1 of 4 stars). 4 submissions from 4 submitters: Uncertain significance (3); Likely benign (1). Last evaluated 2025-09-30.

Conditions:
Hereditary breast ovarian cancer syndrome. Also called: Hereditary breast and ovarian cancer syndrome; BRCA1- and BRCA2-Associated Hereditary Breast and Ovarian Cancer; Hereditary breast and ovarian cancer; Hereditary breast and ovarian cancer syndrome (HBOC); Breast and ovarian cancer; Hereditary breast and/or ovarian cancer syndrome. Identifiers: Orphanet 145, MedGen C0677776, MeSH D061325, MONDO:0003582. Disease mechanism: loss of function.
Hereditary cancer-predisposing syndrome. Also called: Neoplastic Syndromes, Hereditary; Tumor predisposition; Hereditary Cancer Syndrome; Hereditary neoplastic syndrome. Identifiers: Orphanet 140162, MedGen C0027672, MeSH D009386, MONDO:0015356.

Allele frequency attached by ClinVar (database versions not stated): gnomAD exomes below 0.00001.
gnomAD v4.1: 4 of 1,613,998 alleles (0.00025%); highest among the groups gnomAD compares: Non-Finnish European, 0.00034%; no homozygotes.

Submissions (4):

Labcorp Genetics (formerly Invitae), Labcorp
Classification: Uncertain significance for Hereditary breast ovarian cancer syndrome. Last evaluated: 2025-09-30. Review status: criteria provided, single submitter. Criteria: Invitae Variant Classification Sherloc (09022015). Collection method: clinical testing. Allele origin: germline.
Comment: This sequence change replaces serine, which is neutral and polar, with asparagine, which is neutral and polar, at codon 646 of the BRCA1 protein (p.Ser646Asn). This variant is not present in population databases (gnomAD no frequency). This variant has not been reported in the literature in individuals affected with BRCA1-related conditions. ClinVar contains an entry for this variant (Variation ID: 925846). Invitae Evidence Modeling of protein sequence and biophysical properties (such as structural, functional, and spatial information, amino acid conservation, physicochemical variation, residue mobility, and thermodynamic stability) indicates that this missense variant is expected to disrupt BRCA1 protein function with a positive predictive value of 80%. In summary, the available evidence is currently insufficient to determine the role of this variant in disease. Therefore, it has been classified as a Variant of Uncertain Significance.

Ambry Genetics
Classification: Uncertain significance for Hereditary cancer-predisposing syndrome. Last evaluated: 2023-09-07. Review status: criteria provided, single submitter. Criteria: Ambry Variant Classification Scheme 2023. Collection method: clinical testing. Allele origin: germline.
Comment: The p.S646N variant (also known as c.1937G>A), located in coding exon 9 of the BRCA1 gene, results from a G to A substitution at nucleotide position 1937. The serine at codon 646 is replaced by asparagine, an amino acid with highly similar properties. This amino acid position is conserved. In addition, this alteration is predicted to be deleterious by in silico analysis. Since supporting evidence is limited at this time, the clinical significance of this alteration remains unclear.

University of Washington Department of Laboratory Medicine, University of Washington
Classification: Likely benign for Hereditary cancer-predisposing syndrome. Last evaluated: 2023-03-23. Review status: criteria provided, single submitter. Criteria: Dines et al. (Genet Med. 2020). Collection method: curation. Allele origin: germline.
Comment: Missense variant in a coldspot region where missense variants are very unlikely to be pathogenic (PMID:31911673).

BRCA1 coldspot (exon 11 using historical exon numbering). Reclassification based on statistical prior probability

Color Diagnostics, LLC DBA Color Health
Classification: Uncertain significance for Hereditary cancer-predisposing syndrome. Last evaluated: 2019-09-20. Review status: criteria provided, single submitter. Criteria: ACMG Guidelines, 2015. Collection method: clinical testing. Allele origin: germline.
Comment: This missense variant replaces serine with asparagine at codon 646 of the BRCA1 protein. Computational prediction tool suggests that this variant may have deleterious impact on protein structure and function (internally defined REVEL score threshold ≥0.7, PMID: 27666373). Splice site prediction tools suggest that this variant may not impact RNA splicing. To our knowledge, functional studies have not been performed for this variant. This variant has not been reported in individuals affected with hereditary cancer in the literature. This variant has not been identified in the general population by the Genome Aggregation Database (gnomAD). The available evidence is insufficient to determine the role of this variant in disease conclusively. Therefore, this variant is classified as a Variant of Uncertain Significance.